The following is an entry in ClinVar:

NM_001933.5(DLST):c.76C>G (p.Leu26Val)

Gene: DLST (dihydrolipoamide S-succinyltransferase; plus strand). Cytogenetic location: 14q24.3.
Variant type: single nucleotide variant.
Coding change: c.76C>G on transcript NM_001933.5 (MANE Select); coding-DNA position 76, C replaced by G.
Protein change: p.Leu26Val; replaces leucine 26 with valine.
Molecular consequence: missense variant. On other transcripts: non-coding transcript variant (2).
Genome position (GRCh38, 1-based): chr14:74,882,603, C>G. VCF-style: chr14-74882603-C-G. GRCh37 (hg19) VCF-style: chr14-75349306-C-G.
Other names: c.76C>G, p.Leu26Val (NM_001244883.2); short protein forms L26V.
Identifiers: ClinVar variation 3689626 (VCV003689626.2).
Genomic context (GRCh38, chr14:74,882,603, plus strand): 5'-TTTTTTTTTCATCTTGGGTGACGTCGATAATGTCTTCTTTCTCAACAGGGGAACTGCCCT[C>G]TAGGGAGACGTTCCCTGCCTGGTAAGTTCTGCCCTTACCGTCACCTAAAATGCTCTCCTC-3'
Protein context (NP_001924.2, residues 16-36): LSAFQKGNCP[Leu26Val]GRRSLPGVSL

ClinVar aggregate classification (germline): Uncertain significance (1 of 4 stars; one submission).

gnomAD v4.1: 6 of 1,613,906 alleles (0.00037%); highest among the groups gnomAD compares: Non-Finnish European, 0.00042%; no homozygotes.

Submission:

Labcorp Genetics (formerly Invitae), Labcorp
Classification: Uncertain significance. Last evaluated: 2024-08-12. Review status: criteria provided, single submitter. Criteria: Invitae Variant Classification Sherloc (09022015). Collection method: clinical testing. Allele origin: germline.
Comment: This sequence change replaces leucine, which is neutral and non-polar, with valine, which is neutral and non-polar, at codon 26 of the DLST protein (p.Leu26Val). This variant is present in population databases (no rsID available, gnomAD 0.0009%). This variant has not been reported in the literature in individuals affected with DLST-related conditions. Experimental studies and prediction algorithms are not available or were not evaluated, and the functional significance of this variant is currently unknown. In summary, the available evidence is currently insufficient to determine the role of this variant in disease. Therefore, it has been classified as a Variant of Uncertain Significance.